The following is an entry in ClinVar:

ClinVar aggregate classification (germline): Uncertain significance (1 of 4 stars; one submission).

Conditions:
Bloom syndrome (BLM). Also called: Bloom-Torre-Machacek syndrome. Identifiers: Orphanet 125, MedGen C0005859, MONDO:0008876, OMIM 210900.

Submission:

Labcorp Genetics (formerly Invitae), Labcorp
Classification: Uncertain significance for Bloom syndrome. Last evaluated: 2022-12-09. Review status: criteria provided, single submitter. Criteria: Invitae Variant Classification Sherloc (09022015). Collection method: clinical testing. Allele origin: germline.
Comment: In summary, the available evidence is currently insufficient to determine the role of this variant in disease. Therefore, it has been classified as a Variant of Uncertain Significance. Experimental studies and prediction algorithms are not available or were not evaluated, and the functional significance of this variant is currently unknown. This variant has not been reported in the literature in individuals affected with BLM-related conditions. Information on the frequency of this variant in the gnomAD database is not available, as this variant may be reported differently in the database. This sequence change replaces leucine, which is neutral and non-polar, with valine, which is neutral and non-polar, at codon 21 of the BLM protein (p.Leu21Val).

NM_000057.4(BLM):c.60_61delinsTG (p.Leu21Val)

Gene: BLM (BLM RecQ like helicase; plus strand). Cytogenetic location: 15q26.1.
Variant type: Indel.
Coding change: c.60_61delinsTG on transcript NM_000057.4 (MANE Select); coding-DNA positions 60 to 61, AC replaced by TG.
Protein change: p.Leu21Val; replaces leucine 21 with valine.
Molecular consequence: missense variant. On other transcripts: 5 prime UTR variant (1).
Genome position (GRCh38, 1-based): chr15:90,747,452-90,747,453, AC replaced by TG. VCF-style: chr15-90747452-AC-TG. GRCh37 (hg19) VCF-style: chr15-91290682-AC-TG.
Other names: c.60_61delinsTG, p.Leu21Val (NM_001287246.2, NM_001287247.2); c.-1232_-1231delinsTG (NM_001287248.2); short protein forms L21V.
Identifiers: ClinVar variation 2712025 (VCV002712025.3), dbSNP rs2505385068, ClinGen allele CA2697549315.